The following is an entry in ClinVar:

NM_152383.5(DIS3L2):c.2534A>G (p.Gln845Arg)

Gene: DIS3L2 (DIS3 like 3'-5' exoribonuclease 2; plus strand). Cytogenetic location: 2q37.1.
Variant type: single nucleotide variant.
Coding change: c.2534A>G on transcript NM_152383.5 (MANE Select); coding-DNA position 2534, A replaced by G.
Protein change: p.Gln845Arg; replaces glutamine 845 with arginine.
Molecular consequence: missense variant. On other transcripts: non-coding transcript variant (2), intron variant (1).
Genome position (GRCh38, 1-based): chr2:232,336,506, A>G. VCF-style: chr2-232336506-A-G. GRCh37 (hg19) VCF-style: chr2-233201216-A-G.
Other names: c.1582-6839A>G (NM_001257281.2); short protein forms Q845R.
Identifiers: ClinVar variation 1343296 (VCV001343296.6), dbSNP rs371430235, ClinGen allele CA66932441.

ClinVar aggregate classification (germline): Uncertain significance. Review status: criteria provided, single submitter (1 of 4 stars). 2 submissions from 2 submitters: Uncertain significance (1). 1 of the submissions does not count toward it. Last evaluated 2025-04-07.

Conditions:
Hepatoblastoma. Identifiers: Orphanet 449, MedGen C0206624, MONDO:0018666, HP:0002884.
Perlman syndrome (PRLMNS). Identifiers: Orphanet 2849, MedGen C0796113, MONDO:0009965, OMIM 267000.

Allele frequency attached by ClinVar (database versions not stated): gnomAD exomes below 0.00001; gnomAD 0.00001; 1000 Genomes Project 30x 0.00016; 1000 Genomes Project 0.00020.
gnomAD v4.1: 5 of 1,611,464 alleles (0.00031%); highest among the groups gnomAD compares: African/African-American, 0.0027%; no homozygotes.

Submissions (2):

Labcorp Genetics (formerly Invitae), Labcorp
Classification: Uncertain significance for Perlman syndrome. Last evaluated: 2025-04-07. Review status: criteria provided, single submitter. Criteria: Invitae Variant Classification Sherloc (09022015). Collection method: clinical testing. Allele origin: germline.
Comment: This sequence change replaces glutamine, which is neutral and polar, with arginine, which is basic and polar, at codon 845 of the DIS3L2 protein (p.Gln845Arg). This variant is not present in population databases (gnomAD no frequency). This missense change has been observed in individual(s) with hepatoblastoma (PMID: 35495172). ClinVar contains an entry for this variant (Variation ID: 1343296). Invitae Evidence Modeling of protein sequence and biophysical properties (such as structural, functional, and spatial information, amino acid conservation, physicochemical variation, residue mobility, and thermodynamic stability) indicates that this missense variant is not expected to disrupt DIS3L2 protein function with a negative predictive value of 80%. In summary, the available evidence is currently insufficient to determine the role of this variant in disease. Therefore, it has been classified as a Variant of Uncertain Significance.

Molecular Oncology -  Human Genetics Lab, University of Sao Paulo
Classification: Uncertain significance for Hepatoblastoma. Review status: no assertion criteria provided. Collection method: research. Allele origin: germline. Affected: yes. Not counted in ClinVar's aggregate classification.

Literature cited by the submitters: PubMed 35495172 (cited by Labcorp Genetics (formerly Invitae), Labcorp).